The following is an entry in ClinVar:

NM_000217.3(KCNA1):c.*1522C>G

Gene: KCNA1 (potassium voltage-gated channel subfamily A member 1; plus strand). Cytogenetic location: 12p13.32.
Variant type: single nucleotide variant.
Coding change: c.*1522C>G on transcript NM_000217.3 (MANE Select); 1522 bases downstream of the stop codon, C replaced by G.
Molecular consequence: 3 prime UTR variant.
Genome position (GRCh38, 1-based): chr12:4,914,388, C>G. VCF-style: chr12-4914388-C-G. GRCh37 (hg19) VCF-style: chr12-5023554-C-G.
Identifiers: ClinVar variation 309172 (VCV000309172.7), dbSNP rs140297443, ClinGen allele CA10642515.
Genomic context (GRCh38, chr12:4,914,388, plus strand): 5'-AAAAGGTGCAATACTGCATGTTTTTTGGTGCATTCTTAGGATGTAAATGAAAATGTTTCT[C>G]TATTATATGCATCCGAAGCAGAGCTGATTTTTTTTTCTTTGCAGTCATTCTTTGAAGTCT-3'

ClinVar aggregate classification (germline): Benign/Likely benign. Review status: criteria provided, multiple submitters, no conflicts (2 of 4 stars). 2 submissions from 2 submitters: Benign (1); Likely benign (1). Last evaluated 2021-05-12.

Conditions:
Episodic ataxia type 1 (EA1). Also called: ATAXIA, EPISODIC, WITH MYOKYMIA; MYOKYMIA WITH PERIODIC ATAXIA; PAROXYSMAL ATAXIA WITH NEUROMYOTONIA, HEREDITARY; Episodic ataxia/myokymia syndrome. Identifiers: Orphanet 37612, Orphanet 972, MedGen C1719788, MONDO:0008047, OMIM 160120.

Allele frequency attached by ClinVar (database versions not stated): gnomAD exomes 0.00631; gnomAD 0.01151 and 0.01220; TOPMed 0.01168; 1000 Genomes Project 30x 0.01577; 1000 Genomes Project 0.01697.

Submissions (2):

GeneDx
Classification: Likely benign. Last evaluated: 2021-05-12. Review status: criteria provided, single submitter. Criteria: GeneDx Variant Classification Process June 2021. Collection method: clinical testing. Allele origin: germline. Affected: yes.
Comment: See Variant Classification Assertion Criteria.

Illumina Laboratory Services, Illumina
Classification: Benign for Episodic ataxia type 1. Last evaluated: 2018-01-13. Review status: criteria provided, single submitter. Criteria: ICSL Variant Classification Criteria 13 December 2019. Collection method: clinical testing. Allele origin: germline.
Comment: This variant was observed in the ICSL laboratory as part of a predisposition screen in an ostensibly healthy population. It had not been previously curated by ICSL or reported in the Human Gene Mutation Database (HGMD: prior to June 1st, 2018), and was therefore a candidate for classification through an automated scoring system. Utilizing variant allele frequency, disease prevalence and penetrance estimates, and inheritance mode, an automated score was calculated to assess if this variant is too frequent to cause the disease. Based on the score and internal cut-off values, a variant classified as benign is not then subjected to further curation. The score for this variant resulted in a classification of benign for this disease.